The following is an entry in ClinVar:

ClinVar aggregate classification (germline): Uncertain significance (1 of 4 stars; one submission).

Conditions:
Acute myeloid leukemia (AML). Also called: Acute myeloid leukemia, adult; AML adult; Acute non-lymphocytic leukemia; Acute granulocytic leukemia; Leukemia, acute myeloid, somatic; Leukemia, acute myelogenous, somatic. Identifiers: Orphanet 519, MedGen C0023467, MeSH D015470, MONDO:0018874, OMIM 601626, HP:0004808. Disease mechanism: Constitutively activated FLT3.

Submission:

Labcorp Genetics (formerly Invitae), Labcorp
Classification: Uncertain significance for Acute myeloid leukemia. Last evaluated: 2019-03-12. Review status: criteria provided, single submitter. Criteria: Invitae Variant Classification Sherloc (09022015). Collection method: clinical testing. Allele origin: germline.
Comment: In summary, the available evidence is currently insufficient to determine the role of this variant in disease. Therefore, it has been classified as a Variant of Uncertain Significance. Algorithms developed to predict the effect of missense changes on protein structure and function (SIFT, PolyPhen-2, Align-GVGD) all suggest that this variant is likely to be tolerated, but these predictions have not been confirmed by published functional studies and their clinical significance is uncertain. This variant has not been reported in the literature in individuals with CEBPA-related conditions. The frequency data for this variant in the population databases is considered unreliable, as metrics indicate insufficient coverage at this position in the ExAC database. This sequence change replaces glycine with cysteine at codon 130 of the CEBPA protein (p.Gly130Cys). The glycine residue is weakly conserved and there is a large physicochemical difference between glycine and cysteine.

NM_004364.5(CEBPA):c.388G>T (p.Gly130Cys)

Gene: CEBPA (CCAAT enhancer binding protein alpha; minus strand). Cytogenetic location: 19q13.11.
Variant type: single nucleotide variant.
Coding change: c.388G>T on transcript NM_004364.5 (MANE Select); coding-DNA position 388, G replaced by T.
Protein change: p.Gly130Cys; replaces glycine 130 with cysteine.
Molecular consequence: missense variant.
Genome position (GRCh38, 1-based): chr19:33,302,027, C>A on the plus strand (G>T on the coding strand, the complement: CEBPA is on the minus strand). VCF-style: chr19-33302027-C-A. GRCh37 (hg19) VCF-style: chr19-33792933-C-A.
Other names: c.31G>T, p.Gly11Cys (NM_001285829.2); c.493G>T, p.Gly165Cys (NM_001287424.2); c.346G>T, p.Gly116Cys (NM_001287435.2); short protein forms G11C, G130C, G165C, G116C.
Identifiers: ClinVar variation 863303 (VCV000863303.10), dbSNP rs919904139, ClinGen allele CA405275059.